The following is an entry in ClinVar:

ClinVar aggregate classification (germline): Uncertain significance. Review status: criteria provided, multiple submitters, no conflicts (2 of 4 stars). 4 submissions from 4 submitters: Uncertain significance (4). Last evaluated 2025-11-03.

Conditions:
Intellectual disability. Also called: Intellectual functioning disability; intellectual disabilities; Intellectual developmental disorder. Identifiers: MedGen C3714756, MeSH D008607, MONDO:0001071, HP:0001249.
MAGEL2-related disorder. Also called: MAGEL2-related condition.

Allele frequency attached by ClinVar (database versions not stated): gnomAD exomes below 0.00001.

Submissions (4):

Labcorp Genetics (formerly Invitae), Labcorp
Classification: Uncertain significance. Last evaluated: 2025-11-03. Review status: criteria provided, single submitter. Criteria: Invitae Variant Classification Sherloc (09022015). Collection method: clinical testing. Allele origin: germline.
Comment: This sequence change replaces methionine, which is neutral and non-polar, with valine, which is neutral and non-polar, at codon 604 of the MAGEL2 protein (p.Met604Val). This variant is not present in population databases (gnomAD no frequency). This variant has not been reported in the literature in individuals affected with MAGEL2-related conditions. ClinVar contains an entry for this variant (Variation ID: 3252146). Invitae Evidence Modeling of protein sequence and biophysical properties (such as structural, functional, and spatial information, amino acid conservation, physicochemical variation, residue mobility, and thermodynamic stability) indicates that this missense variant is not expected to disrupt MAGEL2 protein function with a negative predictive value of 80%. In summary, the available evidence is currently insufficient to determine the role of this variant in disease. Therefore, it has been classified as a Variant of Uncertain Significance.

PreventionGenetics, part of Exact Sciences
Classification: Uncertain significance for MAGEL2-related condition. Last evaluated: 2025-08-06. Review status: criteria provided, single submitter. Criteria: ACMG Guidelines, 2015. Collection method: clinical testing. Allele origin: germline.
Comment: The MAGEL2 c.1810A>G variant is predicted to result in the amino acid substitution p.Met604Val. To our knowledge, this variant has not been reported in the literature or in a large population database, indicating this variant is rare. At this time, the clinical significance of this variant is uncertain due to the absence of conclusive functional and genetic evidence.

GeneDx
Classification: Uncertain significance. Last evaluated: 2024-02-22. Review status: criteria provided, single submitter. Criteria: GeneDx Variant Classification Process June 2021. Collection method: clinical testing. Allele origin: germline. Affected: yes.
Comment: Not observed at significant frequency in large population cohorts (gnomAD); In silico analysis supports that this missense variant does not alter protein structure/function; Has not been previously published as pathogenic or benign to our knowledge

Cambridge Genomics Laboratory, East Genomic Laboratory Hub, NHS Genomic Medicine Service
Classification: Uncertain significance for Intellectual disability. Last evaluated: 2020-02-11. Review status: criteria provided, single submitter. Criteria: ACGS Best Practice Guidelines for Variant Classification in Rare Disease 2020. Collection method: clinical testing. Allele origin: germline. Affected: yes. Observed: 1 variant allele.

NM_019066.5(MAGEL2):c.1810A>G (p.Met604Val)

Gene: MAGEL2 (MAGE family member L2; minus strand). Cytogenetic location: 15q11.2.
Variant type: single nucleotide variant.
Coding change: c.1810A>G on transcript NM_019066.5 (MANE Select); coding-DNA position 1810, A replaced by G.
Protein change: p.Met604Val; replaces methionine 604 with valine.
Molecular consequence: missense variant.
Genome position (GRCh38, 1-based): chr15:23,645,933, T>C on the plus strand (A>G on the coding strand, the complement: MAGEL2 is on the minus strand). VCF-style: chr15-23645933-T-C. GRCh37 (hg19) VCF-style: chr15-23891080-T-C.
Other names: short protein forms M604V.
Identifiers: ClinVar variation 3252146 (VCV003252146.5), dbSNP rs1890391038.
Genomic context (GRCh38, chr15:23,645,933, plus strand): 5'-TGGGGGCCTTCTGGGCCTGCCAGGCCAGCGCCTGTGTCTGCTGCACCTCCTGGAATTCCA[T>C]TGACGTTGGAATCTCGTGTGGCACCGGGGGCTGACCTTTGGGGGCCTGCCAGATGATGGA-3'
Protein context (NP_061939.3, residues 594-614): PPVPHEIPTS[Met604Val]EFQEVQQTQA